The following is an entry in ClinVar:

NM_020297.4(ABCC9):c.142+10C>A

Gene: ABCC9 (ATP binding cassette subfamily C member 9; minus strand). Cytogenetic location: 12p12.1.
Variant type: single nucleotide variant.
Coding change: c.142+10C>A on transcript NM_020297.4 (MANE Select); 10 bases into the intron after coding-DNA position 142, C replaced by A.
Molecular consequence: intron variant.
Genome position (GRCh38, 1-based): chr12:21,936,523, G>T on the plus strand (C>A on the coding strand, the complement: ABCC9 is on the minus strand). VCF-style: chr12-21936523-G-T. GRCh37 (hg19) VCF-style: chr12-22089457-G-T.
Other names: c.-313+10C>A (NM_001377274.1); c.142+10C>A (NM_005691.4, NM_001377273.1).
Identifiers: ClinVar variation 377413 (VCV000377413.15), dbSNP rs138917284, ClinGen allele CA6481951.

ClinVar aggregate classification (germline): Likely benign. Review status: criteria provided, multiple submitters, no conflicts (2 of 4 stars). 5 submissions from 5 submitters: Likely benign (5). Last evaluated 2026-04-17.

Conditions:
Cardiomyopathy (CMYO). Also called: Cardiomyopathies. Identifiers: Orphanet 167848, MedGen C0878544, MONDO:0004994, HP:0001638. Inheritance: Various modes of inheritance.
Hypertrichotic osteochondrodysplasia Cantu type. Also called: Cantu Syndrome; Cantú Syndrome. Identifiers: Orphanet 1517, MedGen C0795905, MONDO:0009406, OMIM 239850.
Atrial fibrillation, familial, 12 (ATFB12). Identifiers: MedGen C3279695, MONDO:0013545, OMIM 614050.
Dilated cardiomyopathy 1O (CMD1O). Also called: CARDIOMYOPATHY, DILATED, WITH VENTRICULAR TACHYCARDIA. Identifiers: Orphanet 154, MedGen C1837839, MONDO:0012062, OMIM 608569.
Intellectual disability and myopathy syndrome (IDMYS). Identifiers: MedGen C5676904, MONDO:0859224, OMIM 619719.

Allele frequency attached by ClinVar (database versions not stated): gnomAD exomes 0.00003; ExAC 0.00004; gnomAD 0.00007; TOPMed 0.00013; ESP Exome Variant Server 0.00015; 1000 Genomes Project 30x 0.00078; 1000 Genomes Project 0.00080.
gnomAD v4.1: 51 of 1,605,948 alleles (0.0032%); highest among the groups gnomAD compares: African/African-American, 0.055%; no homozygotes.

Submissions (5):

Women's Health and Genetics/Laboratory Corporation of America, LabCorp
Classification: Likely benign. Last evaluated: 2026-04-17. Review status: criteria provided, single submitter. Criteria: LabCorp Variant Classification Summary - May 2015. Collection method: clinical testing. Allele origin: germline.

Labcorp Genetics (formerly Invitae), Labcorp
Classification: Likely benign for Dilated cardiomyopathy 1O. Last evaluated: 2025-12-19. Review status: criteria provided, single submitter. Criteria: Invitae Variant Classification Sherloc (09022015). Collection method: clinical testing. Allele origin: germline.

Fulgent Genetics
Classification: Likely benign for Hypertrichotic osteochondrodysplasia Cantu type; Dilated cardiomyopathy 1O; Atrial fibrillation, familial, 12; Intellectual disability and myopathy syndrome. Last evaluated: 2021-07-23. Review status: criteria provided, single submitter. Criteria: ACMG Guidelines, 2015. Collection method: clinical testing. Allele origin: unknown.

CHEO Genetics Diagnostic Laboratory, Children's Hospital of Eastern Ontario
Classification: Likely benign for Cardiomyopathy. Last evaluated: 2020-03-17. Review status: criteria provided, single submitter. Criteria: ACMG Guidelines, 2015. Collection method: clinical testing. Allele origin: germline.

GeneDx
Classification: Likely benign. Last evaluated: 2016-10-13. Review status: criteria provided, single submitter. Criteria: GeneDx Variant Classification (06012015). Collection method: clinical testing. Allele origin: germline. Affected: yes.
Comment: This variant is considered likely benign or benign based on one or more of the following criteria: it is a conservative change, it occurs at a poorly conserved position in the protein, it is predicted to be benign by multiple in silico algorithms, and/or has population frequency not consistent with disease.